The following is an entry in ClinVar:

NM_000349.3(STAR):c.475A>T (p.Lys159Ter)

Gene: STAR (steroidogenic acute regulatory protein; minus strand). Cytogenetic location: 8p11.23.
Variant type: single nucleotide variant.
Coding change: c.475A>T on transcript NM_000349.3 (MANE Select); coding-DNA position 475, A replaced by T.
Protein change: p.Lys159Ter; replaces lysine 159 with a stop codon.
Molecular consequence: nonsense.
Genome position (GRCh38, 1-based): chr8:38,146,138, T>A on the plus strand (A>T on the coding strand, the complement: STAR is on the minus strand). VCF-style: chr8-38146138-T-A. GRCh37 (hg19) VCF-style: chr8-38003656-T-A.
Other names: short protein forms K159*.
Identifiers: ClinVar variation 1726590 (VCV001726590.2), dbSNP rs2487062310, ClinGen allele CA370699820.

ClinVar aggregate classification (germline): Likely pathogenic (1 of 4 stars; one submission).

Conditions:
Congenital lipoid adrenal hyperplasia due to STAR deficency. Also called: Lipoid adrenal hyperplasia; Congenital Lipoid Adrenal Hyperplasia; Cholesterol monooxygenase (side-chain cleaving) deficiency; ADRENAL HYPERPLASIA I. Identifiers: Orphanet 418, Orphanet 90790, MedGen C0342474, MONDO:0008725, OMIM 201710.

Submission:

Myriad Genetics, Inc.
Classification: Likely pathogenic for Congenital lipoid adrenal hyperplasia due to STAR deficency. Last evaluated: 2021-12-27. Review status: criteria provided, single submitter. Criteria: Myriad Women's Health Autosomal Recessive and X-Linked Classification Criteria (2021). Collection method: clinical testing. Allele origin: unknown.
Comment: NM_000349.2(STAR):c.475A>T(K159*) is expected to be pathogenic in the context of lipoid congenital adrenal hyperplasia. This variant is predicted to lead to an abnormal or absent protein product due to the creation of a premature termination codon in STAR, a gene where loss-of-function variants are known to be pathogenic. Please note: this variant was assessed in the context of healthy population screening.